The following is an entry in ClinVar:

ClinVar aggregate classification (germline): Pathogenic. Review status: criteria provided, multiple submitters, no conflicts (2 of 4 stars). 2 submissions from 2 submitters: Pathogenic (2). Last evaluated 2023-04-07.

Conditions:
Multiple endocrine neoplasia, type 1 (MEN1). Also called: MEA I; MEN I; WERMER SYNDROME; Endocrine adenomatosis multiple; MEN 1. Identifiers: Orphanet 652, MedGen C0025267, MeSH D018761, MONDO:0007540, OMIM 131100.
Hereditary cancer-predisposing syndrome. Also called: Neoplastic Syndromes, Hereditary; Tumor predisposition; Hereditary Cancer Syndrome; Hereditary neoplastic syndrome. Identifiers: Orphanet 140162, MedGen C0027672, MeSH D009386, MONDO:0015356.

Submissions (2):

Labcorp Genetics (formerly Invitae), Labcorp
Classification: Pathogenic for Multiple endocrine neoplasia, type 1. Last evaluated: 2023-04-07. Review status: criteria provided, single submitter. Criteria: Invitae Variant Classification Sherloc (09022015). Collection method: clinical testing. Allele origin: germline.
Comment: ClinVar contains an entry for this variant (Variation ID: 1731455). For these reasons, this variant has been classified as Pathogenic. This sequence change creates a premature translational stop signal (p.Arg115Valfs*4) in the MEN1 gene. It is expected to result in an absent or disrupted protein product. Loss-of-function variants in MEN1 are known to be pathogenic (PMID: 12112656, 17853334). This variant is not present in population databases (gnomAD no frequency). This variant has not been reported in the literature in individuals affected with MEN1-related conditions.

Ambry Genetics
Classification: Pathogenic for Hereditary cancer-predisposing syndrome. Last evaluated: 2019-04-05. Review status: criteria provided, single submitter. Criteria: Ambry Variant Classification Scheme 2023. Collection method: clinical testing. Allele origin: germline.
Comment: The c.343delC pathogenic mutation, located in coding exon 1 of the MEN1 gene, results from a deletion of one nucleotide at nucleotide position 343, causing a translational frameshift with a predicted alternate stop codon (p.R115Vfs*4). This alteration is expected to result in loss of function by premature protein truncation or nonsense-mediated mRNA decay. As such, this alteration is interpreted as a disease-causing mutation.

Literature cited by the submitters: PubMed 12112656 (cited by Labcorp Genetics (formerly Invitae), Labcorp); PubMed 17853334 (cited by Labcorp Genetics (formerly Invitae), Labcorp).

NM_001370259.2(MEN1):c.343del (p.Arg115fs)

Gene: MEN1 (menin 1; minus strand). Cytogenetic location: 11q13.1.
Variant type: Deletion.
Coding change: c.343del on transcript NM_001370259.2 (MANE Select); coding-DNA position 343, one base deleted (C; older notation c.343delC).
Protein change: p.Arg115fs; shifts the reading frame from arginine 115.
Molecular consequence: frameshift variant.
Genome position (GRCh38, 1-based): chr11:64,809,767, G deleted on the plus strand (C on the coding strand, the reverse complement: MEN1 is on the minus strand); the first of 2 consecutive G bases (chr11:64,809,767-64,809,768); deleting either gives the same sequence. VCF-style (leftmost placement, unchanged base first): chr11-64809766-CG-C. GRCh37 (hg19) VCF-style: chr11-64577238-CG-C.
Other names: c.342delC, p.Arg115Valfs (NM_001407144.1, NM_001407145.1, NM_001407146.1 and 8 more transcripts); c.343del, p.Arg115fs (NM_130799.3, NM_130800.3, NM_130801.3 and 9 more transcripts); c.343delC (NM_130799.2); short protein forms R115fs.
Identifiers: ClinVar variation 1731455 (VCV001731455.7), dbSNP rs2497263939, ClinGen allele CA475163415.
Genomic context (GRCh38, chr11:64,809,766, plus strand): 5'-TTGAAGTAGGAGCGGCTGAGGCTGTTCCATATGACATCGGAGACCTTCTTCACCAGCTCA[CG>C]GCTGGAGACACCCCCTTCTCGAGGATAGAGGGACAGGTCGACGGCGCCTCGGATCTGGGC-3'